The following is an entry in ClinVar:

NM_000090.4(COL3A1):c.349C>T (p.Pro117Ser)

Gene: COL3A1 (collagen type III alpha 1 chain; plus strand). Cytogenetic location: 2q32.2.
Variant type: single nucleotide variant.
Coding change: c.349C>T on transcript NM_000090.4 (MANE Select); coding-DNA position 349, C replaced by T.
Protein change: p.Pro117Ser; replaces proline 117 with serine.
Molecular consequence: missense variant.
Genome position (GRCh38, 1-based): chr2:188,985,680, C>T. VCF-style: chr2-188985680-C-T. GRCh37 (hg19) VCF-style: chr2-189850406-C-T.
Other names: short protein forms P117S.
Identifiers: ClinVar variation 4539946 (VCV004539946.1).

ClinVar aggregate classification (germline): Uncertain significance (1 of 4 stars; one submission).

gnomAD v4.1: 1 of 1,609,540 alleles (0.000062%); highest among the groups gnomAD compares: Non-Finnish European, 0.000085%; no homozygotes.

Submission:

GeneDx
Classification: Uncertain significance. Last evaluated: 2025-06-28. Review status: criteria provided, single submitter. Criteria: GeneDx Variant Classification Process June 2021. Collection method: clinical testing. Allele origin: germline. Affected: yes.
Comment: Not observed at significant frequency in large population cohorts (gnomAD); In silico analysis supports that this missense variant has a deleterious effect on protein structure/function; Not located in the triple helical region, where the majority of pathogenic missense variants occur (HGMD); Has not been previously published as pathogenic or benign to our knowledge